The following is an entry in ClinVar:

NM_001205293.3(CACNA1E):c.3851C>T (p.Thr1284Ile)

Gene: CACNA1E (calcium voltage-gated channel subunit alpha1 E; plus strand). Cytogenetic location: 1q25.3.
Variant type: single nucleotide variant.
Coding change: c.3851C>T on transcript NM_001205293.3 (MANE Select); coding-DNA position 3851, C replaced by T.
Protein change: p.Thr1284Ile; replaces threonine 1284 with isoleucine.
Molecular consequence: missense variant.
Genome position (GRCh38, 1-based): chr1:181,755,259, C>T. VCF-style: chr1-181755259-C-T. GRCh37 (hg19) VCF-style: chr1-181724395-C-T.
Other names: c.3851C>T, p.Thr1284Ile (NM_000721.4); c.3794C>T, p.Thr1265Ile (NM_001205294.2); short protein forms T1265I, T1284I.
Identifiers: ClinVar variation 2760414 (VCV002760414.3), dbSNP rs376774223, ClinGen allele CA343622942.
Genomic context (GRCh38, chr1:181,755,259, plus strand): 5'-CAGGGTTCACACAGCAGGGCTGTTTGCTCTGTCCACAGGCCGTCTTCGACTGCGTAGTGA[C>T]CTCCTTGAAGAATGTCTTCAACATACTCATTGTGTACAAGCTCTTCATGTTCATCTTTGC-3'
Protein context (NP_001192222.1, residues 1274-1294): KLKAVFDCVV[Thr1284Ile]SLKNVFNILI

ClinVar aggregate classification (germline): Uncertain significance (1 of 4 stars; one submission).

gnomAD v4.1: 1 of 1,613,832 alleles (0.000062%); highest among the groups gnomAD compares: Non-Finnish European, 0.000085%; no homozygotes.

Submission:

Labcorp Genetics (formerly Invitae), Labcorp
Classification: Uncertain significance. Last evaluated: 2023-05-23. Review status: criteria provided, single submitter. Criteria: Invitae Variant Classification Sherloc (09022015). Collection method: clinical testing. Allele origin: germline.
Comment: In summary, the available evidence is currently insufficient to determine the role of this variant in disease. Therefore, it has been classified as a Variant of Uncertain Significance. Advanced modeling of protein sequence and biophysical properties (such as structural, functional, and spatial information, amino acid conservation, physicochemical variation, residue mobility, and thermodynamic stability) has been performed at Invitae for this missense variant, however the output from this modeling did not meet the statistical confidence thresholds required to predict the impact of this variant on CACNA1E protein function. This variant has not been reported in the literature in individuals affected with CACNA1E-related conditions. This variant is present in population databases (no rsID available, gnomAD 0.0009%). This sequence change replaces threonine, which is neutral and polar, with isoleucine, which is neutral and non-polar, at codon 1284 of the CACNA1E protein (p.Thr1284Ile).